The following is an entry in ClinVar:

ClinVar aggregate classification (germline): Uncertain significance (1 of 4 stars; one submission).

Conditions:
Familial thoracic aortic aneurysm and aortic dissection (TAAD). Also called: Thoracic aortic aneurysms and dissections. Identifiers: Orphanet 91387, MedGen C4707243, MONDO:0019625.

Submission:

Ambry Genetics
Classification: Uncertain significance for Familial thoracic aortic aneurysm and aortic dissection. Last evaluated: 2026-03-21. Review status: criteria provided, single submitter. Criteria: Ambry Variant Classification Scheme 2023. Collection method: clinical testing. Allele origin: germline.
Comment: The p.R678G variant (also known as c.2032C>G), located in coding exon 13 of the FLNA gene, results from a C to G substitution at nucleotide position 2032. The arginine at codon 678 is replaced by glycine, an amino acid with dissimilar properties. This amino acid position is conserved. In addition, this alteration is predicted to be tolerated by in silico analysis. Based on the available evidence, the clinical significance of this variant remains unclear.

NM_001110556.2(FLNA):c.2032C>G (p.Arg678Gly)

Gene: FLNA (filamin A; minus strand). Cytogenetic location: Xq28.
Variant type: single nucleotide variant.
Coding change: c.2032C>G on transcript NM_001110556.2 (MANE Select); coding-DNA position 2032, C replaced by G.
Protein change: p.Arg678Gly; replaces arginine 678 with glycine.
Molecular consequence: missense variant.
Genome position (GRCh38, 1-based): chrX:154,364,363, G>C on the plus strand (C>G on the coding strand, the complement: FLNA is on the minus strand). VCF-style: chrX-154364363-G-C. GRCh37 (hg19) VCF-style: chrX-153592731-G-C.
Other names: c.2032C>G, p.Arg678Gly (NM_001456.4); short protein forms R678G.
Identifiers: ClinVar variation 4871432 (VCV004871432.1).